The following is an entry in ClinVar:

ClinVar aggregate classification (germline): Uncertain significance. Review status: criteria provided, multiple submitters, no conflicts (2 of 4 stars). 3 submissions from 3 submitters: Uncertain significance (3). Last evaluated 2025-11-13.

Conditions:
Ehlers-Danlos syndrome, spondylodysplastic type, 2 (EDSSPD2). Also called: Ehlers-Danlos syndrome, progeroid type, 2. Identifiers: Orphanet 536467, Orphanet 75496, MedGen C3809210, MONDO:0014139, OMIM 615349.
Spondyloepimetaphyseal dysplasia with joint laxity (SEMDJL). Identifiers: MedGen C0432243, MONDO:0019675.

Allele frequency attached by ClinVar (database versions not stated): gnomAD 0.00001; TOPMed 0.00026.

Submissions (3):

Women's Health and Genetics/Laboratory Corporation of America, LabCorp
Classification: Uncertain significance. Last evaluated: 2025-11-13. Review status: criteria provided, single submitter. Criteria: LabCorp Variant Classification Summary - May 2015. Collection method: clinical testing. Allele origin: germline.
Comment: Variant summary: B3GALT6 c.59C>G (p.Ala20Gly) results in a non-conservative amino acid change in the encoded protein sequence. Algorithms developed to predict the effect of missense changes on protein structure and function are either unavailable or do not agree on the potential impact of this missense change. The frequency data for this variant in gnomAD is considered unreliable, as metrics indicate poor data quality at this position. To our knowledge, no occurrence of c.59C>G in individuals affected with B3GALT6-related conditions and no experimental evidence demonstrating its impact on protein function have been reported. ClinVar contains an entry for this variant (Variation ID: 964346). Based on the evidence outlined above, the variant was classified as uncertain significance.

GeneDx
Classification: Uncertain significance. Last evaluated: 2025-06-25. Review status: criteria provided, single submitter. Criteria: GeneDx Variant Classification Process June 2021. Collection method: clinical testing. Allele origin: germline. Affected: yes.

Labcorp Genetics (formerly Invitae), Labcorp
Classification: Uncertain significance for Ehlers-Danlos syndrome, spondylodysplastic type, 2; Spondyloepimetaphyseal dysplasia with joint laxity. Last evaluated: 2022-11-01. Review status: criteria provided, single submitter. Criteria: Invitae Variant Classification Sherloc (09022015). Collection method: clinical testing. Allele origin: germline.
Comment: This sequence change replaces alanine, which is neutral and non-polar, with glycine, which is neutral and non-polar, at codon 20 of the B3GALT6 protein (p.Ala20Gly). The frequency data for this variant in the population databases is considered unreliable, as metrics indicate insufficient coverage at this position in the gnomAD database. This variant has not been reported in the literature in individuals affected with B3GALT6-related conditions. ClinVar contains an entry for this variant (Variation ID: 964346). Algorithms developed to predict the effect of missense changes on protein structure and function (SIFT, PolyPhen-2, Align-GVGD) all suggest that this variant is likely to be tolerated. In summary, the available evidence is currently insufficient to determine the role of this variant in disease. Therefore, it has been classified as a Variant of Uncertain Significance.

NM_080605.4(B3GALT6):c.59C>G (p.Ala20Gly)

Gene: B3GALT6 (beta-1,3-galactosyltransferase 6; plus strand). Cytogenetic location: 1p36.33.
Variant type: single nucleotide variant.
Coding change: c.59C>G on transcript NM_080605.4 (MANE Select); coding-DNA position 59, C replaced by G.
Protein change: p.Ala20Gly; replaces alanine 20 with glycine.
Molecular consequence: missense variant.
Genome position (GRCh38, 1-based): chr1:1,232,337, C>G. VCF-style: chr1-1232337-C-G. GRCh37 (hg19) VCF-style: chr1-1167717-C-G.
Other names: short protein forms A20G.
Identifiers: ClinVar variation 964346 (VCV000964346.9), dbSNP rs1405919033, ClinGen allele CA337822124.